The following is an entry in ClinVar:

NM_174936.4(PCSK9):c.207+15A>G

Gene: PCSK9 (proprotein convertase subtilisin/kexin type 9; plus strand). Cytogenetic location: 1p32.3.
Variant type: single nucleotide variant.
Coding change: c.207+15A>G on transcript NM_174936.4 (MANE Select); 15 bases into the intron after coding-DNA position 207, A replaced by G.
Molecular consequence: intron variant.
Genome position (GRCh38, 1-based): chr1:55,040,059, A>G. VCF-style: chr1-55040059-A-G. GRCh37 (hg19) VCF-style: chr1-55505732-A-G.
Identifiers: ClinVar variation 262904 (VCV000262904.40), dbSNP rs2495482, ClinGen allele CA040544.

ClinVar aggregate classification (germline): Benign. Review status: criteria provided, multiple submitters, no conflicts (2 of 4 stars). 18 submissions from 17 submitters: Benign (15). 3 of the submissions do not count toward it. Last evaluated 2026-09-21.

Conditions:
Familial hypercholesterolemia. Also called: Familial hypercholesterolemias; Familial hypercholesterolaemia. Identifiers: MedGen C0020445, MONDO:0005439.
Hypercholesterolemia, autosomal dominant, 3 (FHCL3). Also called: Familial Hypercholesterolemia, Autosomal Dominant, 3; PCSK9-Related Familial Hypercholesterolemia, Autosomal Dominant; Familial hypercholesterolemia 3. Identifiers: MedGen C1863551, MONDO:0011369, OMIM 603776.
Hypercholesterolemia, familial, 1. Also called: LDL RECEPTOR DISORDER; Hyperlipoproteinemia Type IIa; HYPER-LOW-DENSITY-LIPOPROTEINEMIA; HYPERCHOLESTEROLEMIC XANTHOMATOSIS, FAMILIAL; Fredrickson type IIa hyperlipoproteinemia; Hyperlipoproteinemia type 2. Identifiers: Orphanet 391665, MedGen C0745103, MONDO:0007750, OMIM 143890.
Hypobetalipoproteinemia. Identifiers: Orphanet 31154, MedGen C0020597, MONDO:0017774.

Allele frequency attached by ClinVar (database versions not stated): gnomAD exomes 0.94729 and 0.92784; gnomAD 0.91171 and 0.91487; TOPMed 0.90381; ESP Exome Variant Server 0.91164; 1000 Genomes Project 30x 0.90475; 1000 Genomes Project 0.90855; ExAC 0.93699.
gnomAD v4.1: 1,466,024 of 1,553,126 alleles (94%); highest among the groups gnomAD compares: South Asian, 97%; 692,792 homozygotes.

Submissions (20):

Molecular Diagnostic Laboratory for Inherited Cardiovascular Disease, Montreal Heart Institute
Classification: Benign. Last evaluated: 2026-09-21. Review status: criteria provided, single submitter. Criteria: ACMG Guidelines, 2015. Collection method: clinical testing. Allele origin: germline. Affected: no.
Comment: BA1

Labcorp Genetics (formerly Invitae), Labcorp
Classification: Benign for Hypercholesterolemia, autosomal dominant, 3. Last evaluated: 2026-02-04. Review status: criteria provided, single submitter. Criteria: Invitae Variant Classification Sherloc (09022015). Collection method: clinical testing. Allele origin: germline.

ARUP Laboratories, Molecular Genetics and Genomics, ARUP Laboratories
Classification: Benign. Last evaluated: 2025-07-30. Review status: criteria provided, single submitter. Criteria: ARUP Molecular Germline Variant Investigation Process 2024. Collection method: clinical testing. Allele origin: germline.

Blueprint Genetics
Classification: Benign. Last evaluated: 2024-11-26. Review status: criteria provided, single submitter. Criteria: ACMG Guidelines, 2015. Collection method: clinical testing. Allele origin: germline.

GENinCode PLC
Classification: Benign for Familial hypercholesterolemia. Last evaluated: 2022-07-01. Review status: criteria provided, single submitter. Criteria: ACMG Guidelines, 2015. Collection method: clinical testing. Allele origin: germline.

Genome-Nilou Lab
Classification: Benign for Hypercholesterolemia, autosomal dominant, 3. Last evaluated: 2021-09-05. Review status: criteria provided, single submitter. Criteria: ACMG Guidelines, 2015. Collection method: clinical testing. Allele origin: germline. Affected: no.

Eurofins Ntd Llc (ga)
Classification: Benign. Last evaluated: 2018-06-07. Review status: criteria provided, single submitter. Criteria: EGL ClinVar v180209 classification definitions. Collection method: clinical testing. Allele origin: germline. Observed: 5 variant alleles, 5 homozygotes.

Illumina Laboratory Services, Illumina
Classification: Benign for Hypercholesterolemia, autosomal dominant, 3. Last evaluated: 2018-01-13. Review status: criteria provided, single submitter. Criteria: ICSL Variant Classification Criteria 13 December 2019. Collection method: clinical testing. Allele origin: germline.
Comment: This variant was observed in the ICSL laboratory as part of a predisposition screen in an ostensibly healthy population. It had not been previously curated by ICSL or reported in the Human Gene Mutation Database (HGMD: prior to June 1st, 2018), and was therefore a candidate for classification through an automated scoring system. Utilizing variant allele frequency, disease prevalence and penetrance estimates, and inheritance mode, an automated score was calculated to assess if this variant is too frequent to cause the disease. Based on the score and internal cut-off values, a variant classified as benign is not then subjected to further curation. The score for this variant resulted in a classification of benign for this disease.

Illumina Laboratory Services, Illumina
Classification: Benign for Hypobetalipoproteinemia. Last evaluated: 2018-01-13. Review status: criteria provided, single submitter. Criteria: ICSL Variant Classification Criteria 13 December 2019. Collection method: clinical testing. Allele origin: germline.
Comment: the same text as in the submission from Illumina Laboratory Services, Illumina above.

Color Diagnostics, LLC DBA Color Health
Classification: Benign for Familial hypercholesterolemia. Last evaluated: 2017-06-22. Review status: criteria provided, single submitter. Criteria: ACMG Guidelines, 2015. Collection method: clinical testing. Allele origin: germline.

GeneDx
Classification: Benign. Last evaluated: 2016-09-28. Review status: criteria provided, single submitter. Criteria: GeneDx Variant Classification (06012015). Collection method: clinical testing. Allele origin: germline. Affected: yes.
Comment: This variant is considered likely benign or benign based on one or more of the following criteria: it is a conservative change, it occurs at a poorly conserved position in the protein, it is predicted to be benign by multiple in silico algorithms, and/or has population frequency not consistent with disease.

Cardiovascular Research Group, Instituto Nacional de Saude Doutor Ricardo Jorge
Classification: Benign for Familial hypercholesterolemia. Last evaluated: 2016-03-01. Review status: criteria provided, single submitter. Criteria: ACMG Guidelines, 2015. Collection method: research. Allele origin: germline. Affected: yes.

Iberoamerican FH Network
Classification: Benign for Familial hypercholesterolemia. Last evaluated: 2016-03-01. Review status: criteria provided, single submitter. Criteria: ACMG Guidelines, 2015. Collection method: research. Allele origin: germline.
Comment: Variant present in the database from Mexico

Breakthrough Genomics
Classification: Benign. Review status: criteria provided, single submitter. Criteria: ACMG Guidelines, 2015. Collection method: not provided. Allele origin: germline. Inheritance: Autosomal dominant inheritance. Affected: yes.

PreventionGenetics, part of Exact Sciences
Classification: Benign. Review status: criteria provided, single submitter. Criteria: ACMG Guidelines, 2015. Collection method: clinical testing. Allele origin: germline.

Cohesion Phenomics
Classification: Benign for Familial hypercholesterolemia. Last evaluated: 2023-02-09. Review status: no assertion criteria provided. Criteria: ACMG Guidelines, 2015. Collection method: clinical testing. Allele origin: germline. Affected: yes. Not counted in ClinVar's aggregate classification.

Clinical Genetics, Academic Medical Center
Classification: Benign. Review status: no assertion criteria provided. Collection method: clinical testing. Allele origin: germline. Affected: yes. Study: VKGL Data-share Consensus. Not counted in ClinVar's aggregate classification.

Diagnostic Laboratory, Department of Genetics, University Medical Center Groningen
Classification: Benign for Hypercholesterolemia, autosomal dominant, 3. Review status: no assertion criteria provided. Collection method: clinical testing. Allele origin: germline. Affected: yes. Study: VKGL Data-share Consensus. Not counted in ClinVar's aggregate classification.

Dr. Peter K. Rogan Lab, Western University
No classification provided (evidence only). Condition: Hepatocellular carcinoma. Review status: no classification provided. Collection method: in vitro. Allele origin: not applicable. Functional consequence: retained intron. Not counted in ClinVar's aggregate classification.

Dr. Peter K. Rogan Lab, Western University
No classification provided (evidence only). Condition: Hepatocellular carcinoma. Review status: no classification provided. Collection method: in vitro. Allele origin: not applicable. Functional consequence: retained intron. Not counted in ClinVar's aggregate classification.